The following is an entry in ClinVar:

ClinVar aggregate classification (germline): Benign. Review status: criteria provided, multiple submitters, no conflicts (2 of 4 stars). 4 submissions from 4 submitters: Benign (3). 1 of the submissions does not count toward it. Last evaluated 2026-01-30.

Conditions:
Retinal dystrophy. Also called: Inherited retinal dystrophy. Identifiers: Orphanet 71862, MedGen C0854723, MeSH D058499, MONDO:0019118, HP:0000556.
Cone-rod dystrophy 7 (CORD7). Identifiers: Orphanet 1872, MedGen C1863634, MONDO:0011355, OMIM 603649.

Allele frequency attached by ClinVar (database versions not stated): ESP Exome Variant Server 0.01910; 1000 Genomes Project 0.00978; 1000 Genomes Project 30x 0.00921; TOPMed 0.01630; gnomAD 0.01826.
gnomAD v4.1: 24,502 of 1,610,726 alleles (1.5%); highest among the groups gnomAD compares: African/African-American, 2.4%; 217 homozygotes.

Submissions (4):

Labcorp Genetics (formerly Invitae), Labcorp
Classification: Benign. Last evaluated: 2026-01-30. Review status: criteria provided, single submitter. Criteria: Invitae Variant Classification Sherloc (09022015). Collection method: clinical testing. Allele origin: germline.

Illumina Laboratory Services, Illumina
Classification: Benign for Cone-rod dystrophy 7. Last evaluated: 2018-01-13. Review status: criteria provided, single submitter. Criteria: ICSL Variant Classification Criteria 13 December 2019. Collection method: clinical testing. Allele origin: germline.
Comment: This variant was observed in the ICSL laboratory as part of a predisposition screen in an ostensibly healthy population. It had not been previously curated by ICSL or reported in the Human Gene Mutation Database (HGMD: prior to June 1st, 2018), and was therefore a candidate for classification through an automated scoring system. Utilizing variant allele frequency, disease prevalence and penetrance estimates, and inheritance mode, an automated score was calculated to assess if this variant is too frequent to cause the disease. Based on the score and internal cut-off values, a variant classified as benign is not then subjected to further curation. The score for this variant resulted in a classification of benign for this disease.

PreventionGenetics, part of Exact Sciences
Classification: Benign. Review status: criteria provided, single submitter. Criteria: ACMG Guidelines, 2015. Collection method: clinical testing. Allele origin: germline.

Institute of Human Genetics, Univ. Regensburg, Univ. Regensburg
Classification: Uncertain significance for Retinal dystrophy. Last evaluated: 2012-01-01. Review status: no assertion criteria provided. Criteria: ACMG Guidelines, 2015. Collection method: clinical testing. Allele origin: germline. Affected: yes. Not counted in ClinVar's aggregate classification.

NM_014989.7(RIMS1):c.1776G>A (p.Glu592=)

Gene: RIMS1 (regulating synaptic membrane exocytosis 1; plus strand). Cytogenetic location: 6q13.
Variant type: single nucleotide variant.
Coding change: c.1776G>A on transcript NM_014989.7 (MANE Select); coding-DNA position 1776, G replaced by A.
Protein change: p.Glu592=; no amino-acid change (glutamic acid 592 retained).
Molecular consequence: synonymous variant. On other transcripts: 5 prime UTR variant (9).
Genome position (GRCh38, 1-based): chr6:72,235,647, G>A. VCF-style: chr6-72235647-G-A. GRCh37 (hg19) VCF-style: chr6-72945350-G-A.
Other names: c.198G>A, p.Glu66= (NM_001168407.2, NM_001168408.2, NM_001350414.2 and 37 more transcripts); c.-46G>A (NM_001168409.2, NM_001350461.2, NM_001350463.2 and 6 more transcripts); c.153G>A, p.Glu51= (NM_001168410.2, NM_001350470.2, NM_001350472.2 and 2 more transcripts); c.129G>A, p.Glu43= (NM_001350421.2, NM_001350424.2, NM_001350428.2 and 6 more transcripts).
Identifiers: ClinVar variation 260494 (VCV000260494.15), dbSNP rs77121218, ClinGen allele CA3885812.